The following is an entry in ClinVar:

ClinVar aggregate classification (germline): Conflicting classifications of pathogenicity. Review status: criteria provided, conflicting classifications (1 of 4 stars). 5 submissions from 5 submitters: Uncertain significance (2); Likely benign (2). 1 of the submissions does not count toward it. Last evaluated 2026-01-19.

Conditions:
COQ6-related disorder. Also called: COQ6-related condition.

Allele frequency attached by ClinVar (database versions not stated): gnomAD 0.00144; ExAC 0.00163; gnomAD exomes 0.00216 and 0.00168; ESP Exome Variant Server 0.00154; 1000 Genomes Project 0.00020; 1000 Genomes Project 30x 0.00047; TOPMed 0.00127.
gnomAD v4.1: 3,367 of 1,614,088 alleles (0.21%); highest among the groups gnomAD compares: Non-Finnish European, 0.24%; 4 homozygotes.

Submissions (10):

Labcorp Genetics (formerly Invitae), Labcorp
Classification: Likely benign. Last evaluated: 2026-01-19. Review status: criteria provided, single submitter. Criteria: Invitae Variant Classification Sherloc (09022015). Collection method: clinical testing. Allele origin: germline.

GeneDx
Classification: Uncertain significance. Last evaluated: 2025-10-10. Review status: criteria provided, single submitter. Criteria: GeneDx Variant Classification Process June 2021. Collection method: clinical testing. Allele origin: germline. Affected: yes.
Comment: Has not been previously published as pathogenic or benign to our knowledge; In silico analysis supports that this missense variant has a deleterious effect on protein structure/function; This variant is associated with the following publications: (PMID: 29255295, 28404951)

Mayo Clinic Laboratories, Mayo Clinic
Classification: Likely benign. Last evaluated: 2025-05-30. Review status: criteria provided, single submitter. Criteria: ACMG Guidelines, 2015. Collection method: clinical testing. Allele origin: germline. Observed: 5 variant alleles.
Comment: BS1, BP4

Blueprint Genetics
Classification: Uncertain significance. Last evaluated: 2024-10-21. Review status: criteria provided, single submitter. Criteria: ACMG Guidelines, 2015. Collection method: clinical testing. Allele origin: germline.

PreventionGenetics, part of Exact Sciences
Classification: Likely benign for COQ6-related condition. Last evaluated: 2020-09-21. Review status: no assertion criteria provided. Collection method: clinical testing. Allele origin: germline. Not counted in ClinVar's aggregate classification.
Comment: This variant is classified as likely benign based on ACMG/AMP sequence variant interpretation guidelines (Richards et al. 2015 PMID: 25741868, with internal and published modifications).

Dr. Peter K. Rogan Lab, Western University
No classification provided (evidence only). Condition: Clear cell carcinoma of kidney. Review status: no classification provided. Collection method: in vitro. Allele origin: not applicable. Functional consequence: retained intron. Not counted in ClinVar's aggregate classification.

Dr. Peter K. Rogan Lab, Western University
No classification provided (evidence only). Condition: Lung cancer. Review status: no classification provided. Collection method: in vitro. Allele origin: not applicable. Functional consequence: retained intron. Not counted in ClinVar's aggregate classification.

Dr. Peter K. Rogan Lab, Western University
No classification provided (evidence only). Condition: Thyroid cancer, nonmedullary, 1. Review status: no classification provided. Collection method: in vitro. Allele origin: not applicable. Functional consequence: retained intron. Not counted in ClinVar's aggregate classification.

Dr. Peter K. Rogan Lab, Western University
No classification provided (evidence only). Condition: Sarcoma. Review status: no classification provided. Collection method: in vitro. Allele origin: not applicable. Functional consequence: retained intron. Not counted in ClinVar's aggregate classification.

Dr. Peter K. Rogan Lab, Western University
No classification provided (evidence only). Condition: Uterine carcinosarcoma. Review status: no classification provided. Collection method: in vitro. Allele origin: not applicable. Functional consequence: retained intron. Not counted in ClinVar's aggregate classification.

NM_182476.3(COQ6):c.395A>G (p.Asp132Gly)

Genes: COQ6 (coenzyme Q6, monooxygenase; plus strand), ENTPD5 (ectonucleoside triphosphate diphosphohydrolase 5; minus strand). Cytogenetic location: 14q24.3.
Variant type: single nucleotide variant.
Coding change: c.395A>G on transcript NM_182476.3 (MANE Select); coding-DNA position 395, A replaced by G.
Protein change: p.Asp132Gly; replaces aspartic acid 132 with glycine.
Molecular consequence: missense variant. On other transcripts: intron variant (3), 5 prime UTR variant (2).
Genome position (GRCh38, 1-based): chr14:73,955,842, A>G. VCF-style: chr14-73955842-A-G. GRCh37 (hg19) VCF-style: chr14-74422545-A-G.
Other names: p.D132G:GAT>GGT; p.Asp132Gly; c.320A>G, p.Asp107Gly (NM_182480.3, NM_001425258.1); c.357+333A>G (NM_001425262.1); c.1201-255T>C (NM_001382258.1); c.1201-14T>C (NM_001382262.1); c.395A>G, p.Asp132Gly (NM_001425255.1, NM_001425256.1); c.230A>G, p.Asp77Gly (NM_001425257.1); and 3 more; short protein forms D107G, D132G.
Identifiers: ClinVar variation 214234 (VCV000214234.24), dbSNP rs45496292, ClinGen allele CA323098.